The following is an entry in ClinVar:

NM_000179.3(MSH6):c.2549A>C (p.Tyr850Ser)

Gene: MSH6 (mutS homolog 6; plus strand). Cytogenetic location: 2p16.3.
Variant type: single nucleotide variant.
Coding change: c.2549A>C on transcript NM_000179.3 (MANE Select); coding-DNA position 2549, A replaced by C.
Protein change: p.Tyr850Ser; replaces tyrosine 850 with serine.
Molecular consequence: missense variant.
Genome position (GRCh38, 1-based): chr2:47,800,532, A>C. VCF-style: chr2-47800532-A-C. GRCh37 (hg19) VCF-style: chr2-48027671-A-C.
Other names: c.2159A>C, p.Tyr720Ser (NM_001281492.2); c.1643A>C, p.Tyr548Ser (NM_001281493.2, NM_001281494.2); short protein forms Y850S, Y720S, Y548S.
Identifiers: ClinVar variation 821471 (VCV000821471.6), dbSNP rs63750389, ClinGen allele CA346754563.

ClinVar aggregate classification (germline): Uncertain significance. Review status: criteria provided, multiple submitters, no conflicts (2 of 4 stars). 2 submissions from 2 submitters: Uncertain significance (2). Last evaluated 2019-05-01.

Conditions:
Hereditary breast ovarian cancer syndrome. Also called: Hereditary breast and/or ovarian cancer syndrome; BRCA1- and BRCA2-Associated Hereditary Breast and Ovarian Cancer; Hereditary breast and ovarian cancer syndrome; Hereditary breast and ovarian cancer; Hereditary breast and ovarian cancer syndrome (HBOC); Breast and ovarian cancer. Identifiers: Orphanet 145, MedGen C0677776, MeSH D061325, MONDO:0003582. Disease mechanism: loss of function.
Hereditary cancer-predisposing syndrome. Also called: Neoplastic Syndromes, Hereditary; Tumor predisposition; Hereditary Cancer Syndrome; Hereditary neoplastic syndrome. Identifiers: Orphanet 140162, MedGen C0027672, MeSH D009386, MONDO:0015356.

Submissions (2):

Cancer Genomics Group, Japanese Foundation For Cancer Research
Classification: Uncertain significance for Hereditary breast and ovarian cancer syndrome. Last evaluated: 2019-05-01. Review status: criteria provided, single submitter. Criteria: ACMG Guidelines, 2015. Collection method: research. Allele origin: germline. Affected: yes.

Ambry Genetics
Classification: Uncertain significance for Hereditary cancer-predisposing syndrome. Last evaluated: 2018-02-08. Review status: criteria provided, single submitter. Criteria: Ambry Variant Classification Scheme 2023. Collection method: clinical testing. Allele origin: germline.
Comment: The p.Y850S variant (also known as c.2549A>C), located in coding exon 4 of the MSH6 gene, results from an A to C substitution at nucleotide position 2549. The tyrosine at codon 850 is replaced by serine, an amino acid with dissimilar properties. This amino acid position is highly conserved in available vertebrate species. In addition, this alteration is predicted to be deleterious by in silico analysis. In addition, the CoDP in silico tool predicts this alteration is likely to impair molecular function, with a score of 0.999 (Terui H et al. J. Biomed. Sci. 2013 Apr;20:25). Since supporting evidence is limited at this time, the clinical significance of this alteration remains unclear.